The following is an entry in ClinVar:

NM_005228.5(EGFR):c.2083A>C (p.Ser695Arg)

Gene: EGFR (epidermal growth factor receptor; plus strand). Cytogenetic location: 7p11.2.
Variant type: single nucleotide variant.
Coding change: c.2083A>C on transcript NM_005228.5 (MANE Select); coding-DNA position 2083, A replaced by C.
Protein change: p.Ser695Arg; replaces serine 695 with arginine.
Molecular consequence: missense variant.
Genome position (GRCh38, 1-based): chr7:55,173,942, A>C. VCF-style: chr7-55173942-A-C. GRCh37 (hg19) VCF-style: chr7-55241635-A-C.
Other names: c.1948A>C, p.Ser650Arg (NM_001346897.2, NM_001346899.2); c.2083A>C, p.Ser695Arg (NM_001346898.2); c.1924A>C, p.Ser642Arg (NM_001346900.2); c.1282A>C, p.Ser428Arg (NM_001346941.2); short protein forms S650R, S695R, S428R, S642R.
Identifiers: ClinVar variation 2729946 (VCV002729946.3), dbSNP rs2128953534, ClinGen allele CA367583441.

ClinVar aggregate classification (germline): Uncertain significance (1 of 4 stars; one submission).

Conditions:
EGFR-related lung cancer (EGFR). Identifiers: MedGen CN130014.

Submission:

Labcorp Genetics (formerly Invitae), Labcorp
Classification: Uncertain significance for EGFR-related lung cancer. Last evaluated: 2023-06-27. Review status: criteria provided, single submitter. Criteria: Invitae Variant Classification Sherloc (09022015). Collection method: clinical testing. Allele origin: germline.
Comment: In summary, the available evidence is currently insufficient to determine the role of this variant in disease. Therefore, it has been classified as a Variant of Uncertain Significance. Advanced modeling of protein sequence and biophysical properties (such as structural, functional, and spatial information, amino acid conservation, physicochemical variation, residue mobility, and thermodynamic stability) performed at Invitae indicates that this missense variant is not expected to disrupt EGFR protein function. This variant has not been reported in the literature in individuals affected with EGFR-related conditions. This variant is not present in population databases (gnomAD no frequency). This sequence change replaces serine, which is neutral and polar, with arginine, which is basic and polar, at codon 695 of the EGFR protein (p.Ser695Arg).